The following is an entry in ClinVar:

ClinVar aggregate classification (germline): Pathogenic (1 of 4 stars; one submission).

Conditions:
Adams-Oliver syndrome 5 (AOS5). Identifiers: Orphanet 974, MedGen C4014970, MONDO:0014459, OMIM 616028.

Submission:

Labcorp Genetics (formerly Invitae), Labcorp
Classification: Pathogenic for Adams-Oliver syndrome 5. Last evaluated: 2021-12-10. Review status: criteria provided, single submitter. Criteria: Invitae Variant Classification Sherloc (09022015). Collection method: clinical testing. Allele origin: unknown.
Comment: For these reasons, this variant has been classified as Pathogenic. This variant disrupts a region of the NOTCH1 protein in which other variant(s) (p.Cys1496Tyr) have been determined to be pathogenic (PMID: 25132448). This suggests that this is a clinically significant region of the protein, and that variants that disrupt it are likely to be disease-causing. This variant has not been reported in the literature in individuals affected with NOTCH1-related conditions. This variant is a gross deletion of the genomic region encompassing exon(s) 10-34 of the NOTCH1 gene, which includes the termination codon. This deletion extends beyond the assayed region for this gene and therefore may encompass additional genes. While this deletion is not anticipated to lead to nonsense mediated decay, it is expected to alter mRNA translation or result in a truncated protein product.

Literature cited by the submitters: PubMed 25132448.

NC_000009.11:g.(?_139297240)_(139410566_?)del

Genes: C9orf163 (chromosome 9 putative open reading frame 163; plus strand), ENTR1 (endosome associated trafficking regulator 1; minus strand), INPP5E (inositol polyphosphate-5-phosphatase E; minus strand), NOTCH1 (notch receptor 1; minus strand), PMPCA (peptidase, mitochondrial processing subunit alpha; plus strand) and 1 more. Cytogenetic location: 9q34.3.
Variant type: Deletion.
Identifiers: ClinVar variation 3245277 (VCV003245277.1).